The following is an entry in ClinVar:

ClinVar aggregate classification (germline): Uncertain significance. Review status: reviewed by expert panel (3 of 4 stars). 4 submissions from 4 submitters: Uncertain significance (1). 3 of the submissions do not count toward it. Last evaluated 2023-08-21.

Conditions:
CDH1-related diffuse gastric and lobular breast cancer syndrome. Also called: CDH1-related diffuse gastric and lobular breast cancer. Identifiers: MedGen CN311521, MONDO:0100488.
Hereditary cancer-predisposing syndrome. Also called: Neoplastic Syndromes, Hereditary; Hereditary Cancer Syndrome; Hereditary neoplastic syndrome; Tumor predisposition. Identifiers: Orphanet 140162, MedGen C0027672, MeSH D009386, MONDO:0015356.
Hereditary diffuse gastric adenocarcinoma (HDGC). Also called: DIFFUSE GASTRIC AND LOBULAR BREAST CANCER SYNDROME. Identifiers: Orphanet 26106, MedGen C1708349, MONDO:0007648, OMIM 137215.
Familial cancer of breast. Also called: Hereditary breast cancer; hereditary breast carcinoma; BREAST CANCER, FAMILIAL. Identifiers: Orphanet 227535, MedGen C0346153, MONDO:0016419, OMIM 114480. Disease mechanism: loss of function.

Submissions (4):

Clingen Gastric Cancer Variant Curation Expert Panel
Classification: Uncertain significance for CDH1-related diffuse gastric and lobular breast cancer syndrome. Last evaluated: 2023-08-21. Review status: reviewed by expert panel. Criteria: ClinGen CDH1 ACMG Specifications V3.1. Collection method: curation. Allele origin: germline. Inheritance: Autosomal dominant inheritance.
Comment: The c.2396C>G (p.Pro799Arg) variant is absent in the gnomAD cohort (PM2_Supporting). There is no other supporting data that meet criteria for consideration. In summary, the clinical significance of this variant is uncertain. ACMG/AMP criteria applied, as specified by the CDH1 Variant Curation Expert Panel (Variant Interpretation Guidelines Version 3.1): PM2_Supporting.

Labcorp Genetics (formerly Invitae), Labcorp
Classification: Uncertain significance for Hereditary diffuse gastric adenocarcinoma. Last evaluated: 2024-08-28. Review status: criteria provided, single submitter. Criteria: Invitae Variant Classification Sherloc (09022015). Collection method: clinical testing. Allele origin: germline. Not counted in ClinVar's aggregate classification.
Comment: This sequence change replaces proline, which is neutral and non-polar, with arginine, which is basic and polar, at codon 799 of the CDH1 protein (p.Pro799Arg). This variant is not present in population databases (gnomAD no frequency). This missense change has been observed in individual(s) with gastric cancer (PMID: 15173255). ClinVar contains an entry for this variant (Variation ID: 140871). An algorithm developed to predict the effect of missense changes on protein structure and function (PolyPhen-2) suggests that this variant is likely to be disruptive. Experimental studies are conflicting or provide insufficient evidence to determine the effect of this variant on CDH1 function (PMID: 9268661, 15173255, 17510211, 22850631). In summary, the available evidence is currently insufficient to determine the role of this variant in disease. Therefore, it has been classified as a Variant of Uncertain Significance.

Ambry Genetics
Classification: Uncertain significance for Hereditary cancer-predisposing syndrome. Last evaluated: 2024-07-11. Review status: criteria provided, single submitter. Criteria: Ambry Variant Classification Scheme 2023. Collection method: clinical testing. Allele origin: germline. Not counted in ClinVar's aggregate classification.
Comment: The p.P799R variant (also known as c.2396C>G) is located in coding exon 15 of the CDH1 gene. This alteration results from a C to G substitution at nucleotide position 2396. The proline at codon 799 is replaced by arginine, an amino acid with dissimilar properties. Functional studies aimed to investigate the impact of this missense change on CDH1 protein function are conflicting (Keller G et al. J Med Genet. 2004 Jun;41(6):e89; Mateus AR et al. Hum Mol Genet. 2007 Jul 1;16(13):1639-47; Mateus AR et al. Exp Cell Res. 2009 May 1;315(8):1393-402; Figueiredo J et al. Eur. J. Hum. Genet., 2013 Mar;21:301-9). Additional studies investigating the impact of this missense change on the localization and abundance of CDH1 have suggested that this alteration results in a reduction of the CDH1 protein at the cell membrane (Figueiredo J et al. Eur. J. Hum. Genet., 2013 Mar;21:301-9, Sanches JM et al. Eur. J. Hum. Genet., 2015 Aug;23:1072-9). Structural analysis of P799R exhibited higher length and angle distortions and abnormal cytoskeletal organization, suggesting the formation of very dynamic and plastic cellular interactions (Mestre T et al. Sci Rep, 2016 05;6:25101). This amino acid position is highly conserved in available vertebrate species. In addition, this alteration is predicted to be deleterious by in silico analysis. Based on the available evidence, the clinical significance of this variant remains unclear.

Institute of Human Genetics, University of Leipzig Medical Center
Classification: Uncertain significance for Familial cancer of breast. Last evaluated: 2019-01-01. Review status: criteria provided, single submitter. Criteria: ACMG Guidelines, 2015. Collection method: clinical testing. Allele origin: unknown. Affected: yes. Not counted in ClinVar's aggregate classification.

Literature cited by the submitters: PubMed 15173255 (cited by Labcorp Genetics (formerly Invitae), Labcorp and Ambry Genetics); PubMed 9268661 (cited by Labcorp Genetics (formerly Invitae), Labcorp); PubMed 17510211 (cited by Labcorp Genetics (formerly Invitae), Labcorp); PubMed 22850631 (cited by Labcorp Genetics (formerly Invitae), Labcorp and Ambry Genetics); PubMed 19268661 (cited by Ambry Genetics); PubMed 25388006 (cited by Ambry Genetics); PubMed 27151223 (cited by Ambry Genetics).

NM_004360.5(CDH1):c.2396C>G (p.Pro799Arg)

Gene: CDH1 (cadherin 1; plus strand). Cytogenetic location: 16q22.1.
Variant type: single nucleotide variant.
Coding change: c.2396C>G on transcript NM_004360.5 (MANE Select); coding-DNA position 2396, C replaced by G.
Protein change: p.Pro799Arg; replaces proline 799 with arginine.
Molecular consequence: missense variant.
Genome position (GRCh38, 1-based): chr16:68,829,754, C>G. VCF-style: chr16-68829754-C-G. GRCh37 (hg19) VCF-style: chr16-68863657-C-G.
Other names: NM_004360.4(CDH1):c.2396C>G; c.2396C>G (LRG_301t1); c.2213C>G, p.Pro738Arg (NM_001317184.2); c.848C>G, p.Pro283Arg (NM_001317185.2); c.431C>G, p.Pro144Arg (NM_001317186.2); short protein forms P799R, P738R, P283R, P144R.
Identifiers: ClinVar variation 140871 (VCV000140871.20), dbSNP rs587781335, ClinGen allele CA163797.